The following is an entry in ClinVar:

NM_000141.5(FGFR2):c.2421A>G (p.Pro807=)

Gene: FGFR2 (fibroblast growth factor receptor 2; minus strand). Cytogenetic location: 10q26.13.
Variant type: single nucleotide variant.
Coding change: c.2421A>G on transcript NM_000141.5 (MANE Select); coding-DNA position 2421, A replaced by G.
Protein change: p.Pro807=; no amino-acid change (proline 807 retained).
Molecular consequence: synonymous variant. On other transcripts: non-coding transcript variant (1), intron variant (1).
Genome position (GRCh38, 1-based): chr10:121,479,902, T>C on the plus strand (A>G on the coding strand, the complement: FGFR2 is on the minus strand). VCF-style: chr10-121479902-T-C. GRCh37 (hg19) VCF-style: chr10-123239416-T-C.
Other names: c.2085A>G, p.Pro695= (NM_001144914.1); c.2076A>G, p.Pro692= (NM_001144916.2); c.2073A>G, p.Pro691= (NM_001144917.2); c.2070A>G, p.Pro690= (NM_001144918.2); c.1737A>G, p.Pro579= (NM_001320654.2); c.2415A>G, p.Pro805= (NM_001320658.2); c.2424A>G, p.Pro808= (NM_022970.4); c.2154A>G, p.Pro718= (NM_023029.3); and 1 more.
Identifiers: ClinVar variation 1970360 (VCV001970360.18), dbSNP rs371712759, ClinGen allele CA214952517.

ClinVar aggregate classification (germline): Likely benign. Review status: criteria provided, multiple submitters, no conflicts (2 of 4 stars). 2 submissions from 2 submitters: Likely benign (2). Last evaluated 2024-12-01.

Conditions:
FGFR2-related craniosynostosis. Identifiers: MedGen CN231480.

Allele frequency attached by ClinVar (database versions not stated): gnomAD 0.00001; TOPMed 0.00002; ESP Exome Variant Server 0.00008.
gnomAD v4.1: 10 of 1,614,034 alleles (0.00062%); highest among the groups gnomAD compares: African/African-American, 0.0027%; no homozygotes.

Submissions (2):

CeGaT Center for Human Genetics Tuebingen
Classification: Likely benign. Last evaluated: 2024-12-01. Review status: criteria provided, single submitter. Criteria: CeGaT Center For Human Genetics Tuebingen Variant Classification Criteria Version 2. Collection method: clinical testing. Allele origin: germline. Affected: yes. Observed: 1 variant allele.
Comment: FGFR2: BP4, BP7

Labcorp Genetics (formerly Invitae), Labcorp
Classification: Likely benign for FGFR2-related craniosynostosis. Last evaluated: 2022-04-04. Review status: criteria provided, single submitter. Criteria: Invitae Variant Classification Sherloc (09022015). Collection method: clinical testing. Allele origin: germline.